The following is an entry in ClinVar:

ClinVar aggregate classification (germline): Conflicting classifications of pathogenicity. Review status: criteria provided, conflicting classifications (1 of 4 stars). 4 submissions from 4 submitters: Uncertain significance (3); Likely benign (1). Last evaluated 2025-04-23.

Conditions:
Hereditary cancer-predisposing syndrome. Also called: Neoplastic Syndromes, Hereditary; Hereditary Cancer Syndrome; Hereditary neoplastic syndrome; Tumor predisposition. Identifiers: Orphanet 140162, MedGen C0027672, MeSH D009386, MONDO:0015356.
Familial cancer of breast. Also called: BREAST CANCER, FAMILIAL; Hereditary breast cancer; hereditary breast carcinoma. Identifiers: Orphanet 227535, MedGen C0346153, MONDO:0016419, OMIM 114480. Disease mechanism: loss of function.

Submissions (4):

Labcorp Genetics (formerly Invitae), Labcorp
Classification: Uncertain significance for Familial cancer of breast. Last evaluated: 2025-04-23. Review status: criteria provided, single submitter. Criteria: Invitae Variant Classification Sherloc (09022015). Collection method: clinical testing. Allele origin: germline.
Comment: This sequence change replaces leucine, which is neutral and non-polar, with valine, which is neutral and non-polar, at codon 389 of the PALB2 protein (p.Leu389Val). This variant is not present in population databases (gnomAD no frequency). This variant has not been reported in the literature in individuals affected with PALB2-related conditions. ClinVar contains an entry for this variant (Variation ID: 460882). Invitae Evidence Modeling of protein sequence and biophysical properties (such as structural, functional, and spatial information, amino acid conservation, physicochemical variation, residue mobility, and thermodynamic stability) indicates that this missense variant is not expected to disrupt PALB2 protein function with a negative predictive value of 80%. In summary, the available evidence is currently insufficient to determine the role of this variant in disease. Therefore, it has been classified as a Variant of Uncertain Significance.

Color Diagnostics, LLC DBA Color Health
Classification: Uncertain significance for Hereditary cancer-predisposing syndrome. Last evaluated: 2025-03-17. Review status: criteria provided, single submitter. Criteria: ACMG Guidelines, 2015. Collection method: clinical testing. Allele origin: germline.
Comment: This missense variant replaces leucine with valine at codon 389 of the PALB2 protein. Computational prediction suggests that this variant may not impact protein structure and function. To our knowledge, functional studies have not been reported for this variant. This variant has not been reported in individuals affected with hereditary cancer in the literature. This variant has not been identified in the general population by the Genome Aggregation Database (gnomAD). The available evidence is insufficient to determine the role of this variant in disease conclusively. Therefore, this variant is classified as a Variant of Uncertain Significance.

GeneDx
Classification: Uncertain significance. Last evaluated: 2022-12-22. Review status: criteria provided, single submitter. Criteria: GeneDx Variant Classification Process June 2021. Collection method: clinical testing. Allele origin: germline. Affected: yes.
Comment: Not observed at significant frequency in large population cohorts (gnomAD); In silico analysis supports that this missense variant does not alter protein structure/function; Has not been previously published as pathogenic or benign to our knowledge

Ambry Genetics
Classification: Likely benign for Hereditary cancer-predisposing syndrome. Last evaluated: 2018-12-28. Review status: criteria provided, single submitter. Criteria: Ambry Variant Classification Scheme 2023. Collection method: clinical testing. Allele origin: germline.

NM_024675.4(PALB2):c.1165C>G (p.Leu389Val)

Gene: PALB2 (partner and localizer of BRCA2; minus strand). Cytogenetic location: 16p12.2.
Variant type: single nucleotide variant.
Coding change: c.1165C>G on transcript NM_024675.4 (MANE Select); coding-DNA position 1165, C replaced by G.
Protein change: p.Leu389Val; replaces leucine 389 with valine.
Molecular consequence: missense variant.
Genome position (GRCh38, 1-based): chr16:23,635,381, G>C on the plus strand (C>G on the coding strand, the complement: PALB2 is on the minus strand). VCF-style: chr16-23635381-G-C. GRCh37 (hg19) VCF-style: chr16-23646702-G-C.
Other names: short protein forms L389V.
Identifiers: ClinVar variation 460882 (VCV000460882.21), dbSNP rs1555461427, ClinGen allele CA395133462.